The following is an entry in ClinVar:

ClinVar aggregate classification (germline): Uncertain significance. Review status: criteria provided, multiple submitters, no conflicts (2 of 4 stars). 6 submissions from 6 submitters: Uncertain significance (5). 1 of the submissions does not count toward it. Last evaluated 2022-02-03.

Conditions:
TH-deficient dopa-responsive dystonia. Also called: DYT-TH; Tyrosine Hydroxylase-Deficient Dopa-Responsive Dystonia; Segawa syndrome, autosomal recessive. Identifiers: Orphanet 101150, MedGen C2673535, MONDO:0011551, OMIM 605407.

Allele frequency attached by ClinVar (database versions not stated): gnomAD exomes 0.00002 and 0.00004; ExAC 0.00009; TOPMed 0.00009; ESP Exome Variant Server 0.00016; 1000 Genomes Project 30x 0.00031; 1000 Genomes Project 0.00040.
gnomAD v4.1: 42 of 1,561,416 alleles (0.0027%); highest among the groups gnomAD compares: Middle Eastern, 0.083%; no homozygotes.

Submissions (6):

Fulgent Genetics
Classification: Uncertain significance for TH-deficient dopa-responsive dystonia. Last evaluated: 2022-02-03. Review status: criteria provided, single submitter. Criteria: ACMG Guidelines, 2015. Collection method: clinical testing. Allele origin: unknown.

Labcorp Genetics (formerly Invitae), Labcorp
Classification: Uncertain significance for TH-deficient dopa-responsive dystonia. Last evaluated: 2021-12-10. Review status: criteria provided, single submitter. Criteria: Invitae Variant Classification Sherloc (09022015). Collection method: clinical testing. Allele origin: germline.
Comment: This sequence change replaces proline, which is neutral and non-polar, with leucine, which is neutral and non-polar, at codon 249 of the TH protein (p.Pro249Leu). The frequency data for this variant in the population databases is considered unreliable, as metrics indicate poor data quality at this position in the gnomAD database. This missense change has been observed in individual(s) with generalized dystonia (PMID: 29801903). ClinVar contains an entry for this variant (Variation ID: 374731). Algorithms developed to predict the effect of missense changes on protein structure and function output the following: SIFT: "Deleterious"; PolyPhen-2: "Possibly Damaging"; Align-GVGD: "Class C15". The leucine amino acid residue is found in multiple mammalian species, which suggests that this missense change does not adversely affect protein function. In summary, the available evidence is currently insufficient to determine the role of this variant in disease. Therefore, it has been classified as a Variant of Uncertain Significance.

CeGaT Center for Human Genetics Tuebingen
Classification: Uncertain significance. Last evaluated: 2016-11-01. Review status: criteria provided, single submitter. Criteria: CeGaT Center For Human Genetics Tuebingen Variant Classification Criteria Version 2. Collection method: clinical testing. Allele origin: germline. Affected: yes. Observed: 1 variant allele.

Athena Diagnostics
Classification: Uncertain significance. Last evaluated: 2016-09-23. Review status: criteria provided, single submitter. Criteria: Athena Diagnostics Criteria. Collection method: clinical testing. Allele origin: germline.

Juno Genomics, Hangzhou Juno Genomics, Inc
Classification: Uncertain significance for TH-deficient dopa-responsive dystonia. Review status: criteria provided, single submitter. Criteria: ACMG Guidelines, 2015. Collection method: clinical testing. Allele origin: germline.
Comment: Absent from controls (or at extremely low frequency if recessive) in Genome Aggregation Database.

Natera, Inc.
Classification: Uncertain significance for Autosomal recessive Segawa syndrome. Last evaluated: 2020-03-11. Review status: no assertion criteria provided. Collection method: clinical testing. Allele origin: germline. Not counted in ClinVar's aggregate classification.

Literature cited by the submitters: PubMed 29801903 (cited by Labcorp Genetics (formerly Invitae), Labcorp).

NM_000360.4(TH):c.653C>T (p.Pro218Leu)

Gene: TH (tyrosine hydroxylase; minus strand). Cytogenetic location: 11p15.5.
Variant type: single nucleotide variant.
Coding change: c.653C>T on transcript NM_000360.4 (MANE Select); coding-DNA position 653, C replaced by T.
Protein change: p.Pro218Leu; replaces proline 218 with leucine.
Molecular consequence: missense variant.
Genome position (GRCh38, 1-based): chr11:2,167,477, G>A on the plus strand (C>T on the coding strand, the complement: TH is on the minus strand). VCF-style: chr11-2167477-G-A. GRCh37 (hg19) VCF-style: chr11-2188707-G-A.
Other names: c.746C>T, p.Pro249Leu (NM_199292.3); c.734C>T, p.Pro245Leu (NM_199293.3); short protein forms P249L, P245L, P218L.
Identifiers: ClinVar variation 374731 (VCV000374731.47), dbSNP rs377729019, ClinGen allele CA5818544.